The following is an entry in ClinVar:

NM_000038.6(APC):c.7800A>C (p.Gln2600His)

Gene: APC (APC regulator of Wnt signaling pathway; plus strand). Cytogenetic location: 5q22.2.
Variant type: single nucleotide variant.
Coding change: c.7800A>C on transcript NM_000038.6 (MANE Select); coding-DNA position 7800, A replaced by C.
Protein change: p.Gln2600His; replaces glutamine 2600 with histidine.
Molecular consequence: missense variant.
Genome position (GRCh38, 1-based): chr5:112,843,394, A>C. VCF-style: chr5-112843394-A-C. GRCh37 (hg19) VCF-style: chr5-112179091-A-C.
Other names: c.7800A>C, p.Gln2600His (NM_001127510.3, NM_001354895.2); c.7746A>C, p.Gln2582His (NM_001127511.3); c.7854A>C, p.Gln2618His (NM_001354896.2); c.7830A>C, p.Gln2610His (NM_001354897.2); c.7725A>C, p.Gln2575His (NM_001354898.2); c.7716A>C, p.Gln2572His (NM_001354899.2); c.7677A>C, p.Gln2559His (NM_001354900.2); c.7623A>C, p.Gln2541His (NM_001354901.2); and 5 more; short protein forms Q2582H, Q2600H, Q2317H, Q2474H, Q2575H, Q2610H, Q2440H, Q2509H.
Identifiers: ClinVar variation 629231 (VCV000629231.6), dbSNP rs1561618396, ClinGen allele CA16038272.

ClinVar aggregate classification (germline): Uncertain significance. Review status: criteria provided, multiple submitters, no conflicts (2 of 4 stars). 2 submissions from 2 submitters: Uncertain significance (2). Last evaluated 2025-12-22.

Conditions:
Hereditary cancer-predisposing syndrome. Also called: Neoplastic Syndromes, Hereditary; Hereditary neoplastic syndrome; Tumor predisposition; Hereditary Cancer Syndrome. Identifiers: Orphanet 140162, MedGen C0027672, MeSH D009386, MONDO:0015356.

Submissions (2):

Ambry Genetics
Classification: Uncertain significance for Hereditary cancer-predisposing syndrome. Last evaluated: 2025-12-22. Review status: criteria provided, single submitter. Criteria: Ambry Variant Classification Scheme 2023. Collection method: clinical testing. Allele origin: germline.
Comment: The p.Q2600H variant (also known as c.7800A>C), located in coding exon 15 of the APC gene, results from an A to C substitution at nucleotide position 7800. The glutamine at codon 2600 is replaced by histidine, an amino acid with highly similar properties. This amino acid position is conserved. In addition, in silico predictors for this gene do not accurately predict pathogenicity. Based on the available evidence, the clinical significance of this variant remains unclear.

Color Diagnostics, LLC DBA Color Health
Classification: Uncertain significance for Hereditary cancer-predisposing syndrome. Last evaluated: 2023-12-05. Review status: criteria provided, single submitter. Criteria: ACMG Guidelines, 2015. Collection method: clinical testing. Allele origin: germline.
Comment: This missense variant replaces glutamine with histidine at codon 2600 of the APC protein. Computational prediction suggests that this variant may not impact protein structure and function (internally defined REVEL score threshold <= 0.5, PMID: 27666373). To our knowledge, functional studies have not been reported for this variant. This variant has not been reported in individuals affected with APC-related disorders in the literature. This variant has not been identified in the general population by the Genome Aggregation Database (gnomAD). The available evidence is insufficient to determine the role of this variant in disease conclusively. Therefore, this variant is classified as a Variant of Uncertain Significance.